The following is an entry in ClinVar:

NM_014806.5(RUSC2):c.3925G>A (p.Gly1309Arg)

Gene: RUSC2 (RUN and SH3 domain containing 2; plus strand). Cytogenetic location: 9p13.3.
Variant type: single nucleotide variant.
Coding change: c.3925G>A on transcript NM_014806.5 (MANE Select); coding-DNA position 3925, G replaced by A.
Protein change: p.Gly1309Arg; replaces glycine 1309 with arginine.
Molecular consequence: missense variant. On other transcripts: non-coding transcript variant (1).
Genome position (GRCh38, 1-based): chr9:35,560,565, G>A. VCF-style: chr9-35560565-G-A. GRCh37 (hg19) VCF-style: chr9-35560562-G-A.
Other names: c.3925G>A, p.Gly1309Arg (NM_001135999.2); c.1291G>A, p.Gly431Arg (NM_001330740.2); short protein forms G431R, G1309R.
Identifiers: ClinVar variation 1470340 (VCV001470340.6), dbSNP rs758465126, ClinGen allele CA5044270.
Genomic context (GRCh38, chr9:35,560,565, plus strand): 5'-TCCAGGTTCCCTCGTGGTAGCAGCAACAGCAGCAGCGAGAAAAAGAAAGGGGCAGGAGGT[G>A]GGGGACCTCCCCAGGCTCCACCACCCCGAGAGGGAGTAGTGGAGGGGGCTGAGGCCTGCC-3'
Protein context (NP_055621.2, residues 1299-1319): SSEKKKGAGG[Gly1309Arg]GPPQAPPPRE

ClinVar aggregate classification (germline): Uncertain significance (1 of 4 stars; one submission).

Allele frequency attached by ClinVar (database versions not stated): gnomAD exomes 0.00001; ExAC 0.00002.
gnomAD v4.1: 4 of 1,614,140 alleles (0.00025%); highest among the groups gnomAD compares: Admixed American, 0.005%; no homozygotes.

Submission:

Labcorp Genetics (formerly Invitae), Labcorp
Classification: Uncertain significance. Last evaluated: 2022-07-05. Review status: criteria provided, single submitter. Criteria: Invitae Variant Classification Sherloc (09022015). Collection method: clinical testing. Allele origin: germline.
Comment: In summary, the available evidence is currently insufficient to determine the role of this variant in disease. Therefore, it has been classified as a Variant of Uncertain Significance. Algorithms developed to predict the effect of sequence changes on RNA splicing suggest that this variant may create or strengthen a splice site. Algorithms developed to predict the effect of missense changes on protein structure and function output the following: SIFT: "Tolerated"; PolyPhen-2: "Benign"; Align-GVGD: "Class C0". The arginine amino acid residue is found in multiple mammalian species, which suggests that this missense change does not adversely affect protein function. ClinVar contains an entry for this variant (Variation ID: 1470340). This variant has not been reported in the literature in individuals affected with RUSC2-related conditions. This variant is present in population databases (rs758465126, gnomAD 0.006%). This sequence change replaces glycine, which is neutral and non-polar, with arginine, which is basic and polar, at codon 1309 of the RUSC2 protein (p.Gly1309Arg).